The following is an entry in ClinVar:

NM_015311.3(OBSL1):c.4720C>T (p.Arg1574Trp)

Gene: OBSL1 (obscurin like cytoskeletal adaptor 1; minus strand). Cytogenetic location: 2q35.
Variant type: single nucleotide variant.
Coding change: c.4720C>T on transcript NM_015311.3 (MANE Select); coding-DNA position 4720, C replaced by T.
Protein change: p.Arg1574Trp; replaces arginine 1574 with tryptophan.
Molecular consequence: missense variant.
Genome position (GRCh38, 1-based): chr2:219,554,630, G>A on the plus strand (C>T on the coding strand, the complement: OBSL1 is on the minus strand). VCF-style: chr2-219554630-G-A. GRCh37 (hg19) VCF-style: chr2-220419352-G-A.
Other names: short protein forms R1574W.
Identifiers: ClinVar variation 1416498 (VCV001416498.6), dbSNP rs375171800, ClinGen allele CA2130448.

ClinVar aggregate classification (germline): Uncertain significance (1 of 4 stars; one submission).

Allele frequency attached by ClinVar (database versions not stated): gnomAD exomes 0.00009; gnomAD 0.00017; ExAC 0.00010; 1000 Genomes Project 30x 0.00031; ESP Exome Variant Server 0.00008; TOPMed 0.00012; 1000 Genomes Project 0.00020.
gnomAD v4.1: 187 of 1,611,626 alleles (0.012%); highest among the groups gnomAD compares: Middle Eastern, 0.05%; no homozygotes.

Submission:

Labcorp Genetics (formerly Invitae), Labcorp
Classification: Uncertain significance. Last evaluated: 2021-12-28. Review status: criteria provided, single submitter. Criteria: Invitae Variant Classification Sherloc (09022015). Collection method: clinical testing. Allele origin: germline.
Comment: This sequence change replaces arginine, which is basic and polar, with tryptophan, which is neutral and slightly polar, at codon 1574 of the OBSL1 protein (p.Arg1574Trp). This variant is present in population databases (rs375171800, gnomAD 0.01%). This variant has not been reported in the literature in individuals affected with OBSL1-related conditions. Algorithms developed to predict the effect of missense changes on protein structure and function are either unavailable or do not agree on the potential impact of this missense change (SIFT: "Deleterious"; PolyPhen-2: "Possibly Damaging"; Align-GVGD: "Class C0"). In summary, the available evidence is currently insufficient to determine the role of this variant in disease. Therefore, it has been classified as a Variant of Uncertain Significance.